The following is an entry in ClinVar:

NM_020812.4(DOCK6):c.2973G>A (p.Glu991=)

Gene: DOCK6 (dedicator of cytokinesis 6; minus strand). Cytogenetic location: 19p13.2.
Variant type: single nucleotide variant.
Coding change: c.2973G>A on transcript NM_020812.4 (MANE Select); coding-DNA position 2973, G replaced by A.
Protein change: p.Glu991=; no amino-acid change (glutamic acid 991 retained).
Molecular consequence: synonymous variant.
Genome position (GRCh38, 1-based): chr19:11,223,089, C>T on the plus strand (G>A on the coding strand, the complement: DOCK6 is on the minus strand). VCF-style: chr19-11223089-C-T. GRCh37 (hg19) VCF-style: chr19-11333765-C-T.
Other names: c.3078G>A, p.Glu1026= (NM_001367830.1).
Identifiers: ClinVar variation 747722 (VCV000747722.29), dbSNP rs775738941, ClinGen allele CA9207403.

ClinVar aggregate classification (germline): Likely benign. Review status: criteria provided, multiple submitters, no conflicts (2 of 4 stars). 2 submissions from 2 submitters: Likely benign (2). Last evaluated 2024-04-16.

Allele frequency attached by ClinVar (database versions not stated): ExAC 0.00003; TOPMed 0.00003; gnomAD 0.00004; gnomAD exomes 0.00006 and 0.00010.

Submissions (2):

Labcorp Genetics (formerly Invitae), Labcorp
Classification: Likely benign. Last evaluated: 2024-04-16. Review status: criteria provided, single submitter. Criteria: Invitae Variant Classification Sherloc (09022015). Collection method: clinical testing. Allele origin: germline.

CeGaT Center for Human Genetics Tuebingen
Classification: Likely benign. Last evaluated: 2023-05-01. Review status: criteria provided, single submitter. Criteria: CeGaT Center For Human Genetics Tuebingen Variant Classification Criteria Version 2. Collection method: clinical testing. Allele origin: germline. Affected: yes. Observed: 1 variant allele.
Comment: DOCK6: BP4, BP7